The following is an entry in ClinVar:

ClinVar aggregate classification (germline): Uncertain significance (1 of 4 stars; one submission).

gnomAD v4.1: 1 of 1,600,804 alleles (0.000062%); highest among the groups gnomAD compares: Non-Finnish European, 0.000085%; no homozygotes.

Submission:

Labcorp Genetics (formerly Invitae), Labcorp
Classification: Uncertain significance. Last evaluated: 2025-10-13. Review status: criteria provided, single submitter. Criteria: Invitae Variant Classification Sherloc (09022015). Collection method: clinical testing. Allele origin: germline.
Comment: This sequence change replaces proline, which is neutral and non-polar, with serine, which is neutral and polar, at codon 2265 of the ARID1A protein (p.Pro2265Ser). This variant is not present in population databases (gnomAD no frequency). This variant has not been reported in the literature in individuals affected with ARID1A-related conditions. Invitae Evidence Modeling of protein sequence and biophysical properties (such as structural, functional, and spatial information, amino acid conservation, physicochemical variation, residue mobility, and thermodynamic stability) indicates that this missense variant is not expected to disrupt ARID1A protein function with a negative predictive value of 80%. In summary, the available evidence is currently insufficient to determine the role of this variant in disease. Therefore, it has been classified as a Variant of Uncertain Significance.

NM_006015.6(ARID1A):c.6793C>T (p.Pro2265Ser)

Gene: ARID1A (AT-rich interaction domain 1A; plus strand). Cytogenetic location: 1p36.11.
Variant type: single nucleotide variant.
Coding change: c.6793C>T on transcript NM_006015.6 (MANE Select); coding-DNA position 6793, C replaced by T.
Protein change: p.Pro2265Ser; replaces proline 2265 with serine.
Molecular consequence: missense variant.
Genome position (GRCh38, 1-based): chr1:26,780,691, C>T. VCF-style: chr1-26780691-C-T. GRCh37 (hg19) VCF-style: chr1-27107182-C-T.
Other names: c.6142C>T, p.Pro2048Ser (NM_139135.4); short protein forms P2048S, P2265S.
Identifiers: ClinVar variation 4711927 (VCV004711927.1).
Genomic context (GRCh38, chr1:26,780,691, plus strand): 5'-GACGAGAACCACTCAGAGTTTACTCTGTACGAATCACGGCTGTTGGACATCTCGGTATCA[C>T]CGTTGATGAACTCATTGGTTTCACAAGTCATTTGTGATGTACTGTTTTTGATTGGCCAGT-3'
Protein context (NP_006006.3, residues 2255-2275): ESRLLDISVS[Pro2265Ser]LMNSLVSQVI